The following is an entry in ClinVar:

ClinVar aggregate classification (germline): Pathogenic. Review status: criteria provided, single submitter (1 of 4 stars). 3 submissions from 3 submitters: Pathogenic (1). 2 of the submissions do not count toward it. Last evaluated 2024-02-15.

Conditions:
Proteinuria, chronic benign. Identifiers: MedGen C5394384, MONDO:0030042, OMIM 618884.
Imerslund-Grasbeck syndrome type 1 (IGS1). Also called: MEGALOBLASTIC ANEMIA, 1; Imerslund-Gräsbeck syndrome 1; Megaloblastic anemia 1, Finnish type. Identifiers: MedGen C4016819, MONDO:0100156, OMIM 261100.
Imerslund-Grasbeck syndrome. Also called: ENTEROCYTE COBALAMIN MALABSORPTION; ENTEROCYTE INTRINSIC FACTOR RECEPTOR, DEFECT OF; PERNICIOUS ANEMIA, JUVENILE, DUE TO SELECTIVE INTESTINAL MALABSORPTION OF VITAMIN B12, WITH PROTEINURIA; Megaloblastic anemia due to inborn errors of metabolism; Imerslund-Gräsbeck syndrome. Identifiers: Orphanet 35858, MedGen C4551825, MONDO:0009853.

Submissions (3):

Fulgent Genetics
Classification: Pathogenic for Imerslund-Grasbeck syndrome type 1; Proteinuria, chronic benign. Last evaluated: 2024-02-15. Review status: criteria provided, single submitter. Criteria: ACMG Guidelines, 2015. Collection method: clinical testing. Allele origin: germline.

OMIM
Classification: Pathogenic for IMERSLUND-GRASBECK SYNDROME 1. Last evaluated: 2020-05-18. Review status: no assertion criteria provided. Collection method: literature only. Allele origin: germline. Not counted in ClinVar's aggregate classification.

Juha Muilu Group; Institute for Molecular Medicine Finland (FIMM)
Classification: Likely pathogenic for Megaloblastic anemia due to inborn errors of metabolism. Review status: no assertion criteria provided. Collection method: not provided. Allele origin: unknown. Not counted in ClinVar's aggregate classification.
Comment: FinDis database variant: This variant was not found or characterized by our laboratory, data were collected from public sources: see reference
ClinVar note: Converted during submission from probable-pathogenic to Likely pathogenic.

Literature cited by the submitters: PubMed 31497480 (cited by OMIM).

NM_001081.4(CUBN):c.2614_2615del (p.Asp872fs)

Gene: CUBN (cubilin; minus strand). Cytogenetic location: 10p13.
Variant type: Deletion.
Coding change: c.2614_2615del on transcript NM_001081.4 (MANE Select); coding-DNA positions 2614 to 2615, 2 bases deleted (GA; older notation c.2614_2615delGA).
Protein change: p.Asp872fs; shifts the reading frame from aspartic acid 872.
Molecular consequence: frameshift variant.
Genome position (GRCh38, 1-based): chr10:17,071,436-17,071,437, TC deleted on the plus strand (GA on the coding strand, the reverse complement: CUBN is on the minus strand); deleting any 2 consecutive bases within chr10:17,071,436-17,071,438 gives the same sequence; the c. name uses the placement nearest the transcript's 3' end. VCF-style (leftmost placement, unchanged base first): chr10-17071435-ATC-A. GRCh37 (hg19) VCF-style: chr10-17113434-ATC-A.
Other names: c.2614_2615delGA (NM_001081.3); short protein forms D872fs.
Identifiers: ClinVar variation 56330 (VCV000056330.18), dbSNP rs386833777, ClinGen allele CA144270.
Genomic context (GRCh38, chr10:17,071,435, plus strand): 5'-TTTTTTATAATATACAACCAAATACAAATTCAAAGATTTTTTCCCTCTTACCTCAACATA[ATC>A]TGTTTCACAGTGGGCAGAACTTCCAATTTCAAAGACAGTGAAGTTGAGGAGAATGACTTG-3'